The following is an entry in ClinVar:

NM_015102.5(NPHP4):c.3044+1G>T

Gene: NPHP4 (nephrocystin 4; minus strand). Cytogenetic location: 1p36.31.
Variant type: single nucleotide variant.
Coding change: c.3044+1G>T on transcript NM_015102.5 (MANE Select); the canonical splice donor site of the intron after coding-DNA position 3044, G replaced by T.
Molecular consequence: splice donor variant.
Genome position (GRCh38, 1-based): chr1:5,874,873, C>A on the plus strand (G>T on the coding strand, the complement: NPHP4 is on the minus strand). VCF-style: chr1-5874873-C-A. GRCh37 (hg19) VCF-style: chr1-5934933-C-A.
Other names: c.1508+1G>T (NM_001291594.2); c.1505+1G>T (NM_001291593.2).
Identifiers: ClinVar variation 2733821 (VCV002733821.3), dbSNP rs1294693530, ClinGen allele CA338055942.

ClinVar aggregate classification (germline): Likely pathogenic (1 of 4 stars; one submission).

Conditions:
Nephronophthisis. Also called: Juvenile Nephronophthisis. Identifiers: Orphanet 655, MedGen C0687120, MONDO:0019005, HP:0000090.

gnomAD v4.1: 7 of 1,613,164 alleles (0.00043%); highest among the groups gnomAD compares: Middle Eastern, 0.017%; no homozygotes.

Submission:

Labcorp Genetics (formerly Invitae), Labcorp
Classification: Likely pathogenic for Nephronophthisis. Last evaluated: 2023-10-06. Review status: criteria provided, single submitter. Criteria: Invitae Variant Classification Sherloc (09022015). Collection method: clinical testing. Allele origin: germline.
Comment: This sequence change affects a donor splice site in intron 21 of the NPHP4 gene. It is expected to disrupt RNA splicing. Variants that disrupt the donor or acceptor splice site typically lead to a loss of protein function (PMID: 16199547), and loss-of-function variants in NPHP4 are known to be pathogenic (PMID: 12205563, 23559409). This variant is present in population databases (no rsID available, gnomAD 0.003%). Disruption of this splice site has been observed in individual(s) with nephronophthisis (PMID: 26489029). Algorithms developed to predict the effect of sequence changes on RNA splicing suggest that this variant may disrupt the consensus splice site. In summary, the currently available evidence indicates that the variant is pathogenic, but additional data are needed to prove that conclusively. Therefore, this variant has been classified as Likely Pathogenic.

Literature cited by the submitters: PubMed 16199547; PubMed 12205563; PubMed 23559409; PubMed 26489029.